The following is an entry in ClinVar:

ClinVar aggregate classification (germline): Uncertain significance (1 of 4 stars; one submission).

Submission:

Labcorp Genetics (formerly Invitae), Labcorp
Classification: Uncertain significance. Last evaluated: 2025-02-20. Review status: criteria provided, single submitter. Criteria: Invitae Variant Classification Sherloc (09022015). Collection method: clinical testing. Allele origin: germline.
Comment: This sequence change replaces valine, which is neutral and non-polar, with leucine, which is neutral and non-polar, at codon 257 of the KISS1R protein (p.Val257Leu). This variant is not present in population databases (gnomAD no frequency). This variant has not been reported in the literature in individuals affected with KISS1R-related conditions. Invitae Evidence Modeling of protein sequence and biophysical properties (such as structural, functional, and spatial information, amino acid conservation, physicochemical variation, residue mobility, and thermodynamic stability) indicates that this missense variant is not expected to disrupt KISS1R protein function with a negative predictive value of 80%. In summary, the available evidence is currently insufficient to determine the role of this variant in disease. Therefore, it has been classified as a Variant of Uncertain Significance.

NM_032551.5(KISS1R):c.769G>C (p.Val257Leu)

Gene: KISS1R (KISS1 receptor; plus strand). Cytogenetic location: 19p13.3.
Variant type: single nucleotide variant.
Coding change: c.769G>C on transcript NM_032551.5 (MANE Select); coding-DNA position 769, G replaced by C.
Protein change: p.Val257Leu; replaces valine 257 with leucine.
Molecular consequence: missense variant.
Genome position (GRCh38, 1-based): chr19:920,320, G>C. VCF-style: chr19-920320-G-C. GRCh37 (hg19) VCF-style: chr19-920320-G-C.
Other names: short protein forms V257L.
Identifiers: ClinVar variation 4796956 (VCV004796956.1).